The following is an entry in ClinVar:

NM_006517.5(SLC16A2):c.1144C>T (p.Pro382Ser)

Gene: SLC16A2 (solute carrier family 16 member 2; plus strand). Cytogenetic location: Xq13.2.
Variant type: single nucleotide variant.
Coding change: c.1144C>T on transcript NM_006517.5 (MANE Select); coding-DNA position 1144, C replaced by T.
Protein change: p.Pro382Ser; replaces proline 382 with serine.
Molecular consequence: missense variant.
Genome position (GRCh38, 1-based): chrX:74,525,867, C>T. VCF-style: chrX-74525867-C-T. GRCh37 (hg19) VCF-style: chrX-73745702-C-T.
Other names: short protein forms P382S.
Identifiers: ClinVar variation 1803323 (VCV001803323.3), dbSNP rs2519807448, ClinGen allele CA413658087.
Genomic context (GRCh38, chrX:74,525,867, plus strand): 5'-TGTATTGGGGCTACCTCAGGCCTTGGGCGTCTTGTGTCAGGCCACATCAGTGACTCCATC[C>T]CTGGACTTAAGAAGATCTACTTGCAGGTGAGTGTGACCACTTGTCCACTGTGGGGAGAAA-3'
Protein context (NP_006508.2, residues 372-392): LVSGHISDSI[Pro382Ser]GLKKIYLQVL

ClinVar aggregate classification (germline): Uncertain significance (1 of 4 stars; one submission).

Submission:

GeneDx
Classification: Uncertain significance. Last evaluated: 2026-10-09. Review status: criteria provided, single submitter. Criteria: GeneDx Variant Classification Process June 2021. Collection method: clinical testing. Allele origin: germline.
Comment: Not observed at significant frequency in large population cohorts (gnomAD); In silico analysis supports that this missense variant has a deleterious effect on protein structure/function; Has not been previously published as pathogenic or benign to our knowledge